The following is an entry in ClinVar:

NM_000257.4(MYH7):c.10T>C (p.Ser4Pro)

Gene: MYH7 (myosin heavy chain 7; minus strand). Cytogenetic location: 14q11.2.
Variant type: single nucleotide variant.
Coding change: c.10T>C on transcript NM_000257.4 (MANE Select); coding-DNA position 10, T replaced by C.
Protein change: p.Ser4Pro; replaces serine 4 with proline.
Molecular consequence: missense variant.
Genome position (GRCh38, 1-based): chr14:23,433,723, A>G on the plus strand (T>C on the coding strand, the complement: MYH7 is on the minus strand). VCF-style: chr14-23433723-A-G. GRCh37 (hg19) VCF-style: chr14-23902932-A-G.
Other names: c.10T>C, p.Ser4Pro (NM_001407004.1); short protein forms S4P.
Identifiers: ClinVar variation 2563054 (VCV002563054.3), dbSNP rs1416852795, ClinGen allele CA389054236.

ClinVar aggregate classification (germline): Uncertain significance. Review status: criteria provided, multiple submitters, no conflicts (2 of 4 stars). 2 submissions from 2 submitters: Uncertain significance (2). Last evaluated 2025-07-29.

Conditions:
Hypertrophic cardiomyopathy. Also called: HYPERTROPHIC MYOCARDIOPATHY. Identifiers: Orphanet 217569, MedGen C0007194, MeSH D002312, MONDO:0005045, HP:0001639.
Cardiovascular phenotype. Identifiers: MedGen CN230736.

Allele frequency attached by ClinVar (database versions not stated): gnomAD 0.00001.
gnomAD v4.1: 1 of 1,613,864 alleles (0.000062%); highest among the groups gnomAD compares: African/African-American, 0.0013%; no homozygotes.

Submissions (2):

Labcorp Genetics (formerly Invitae), Labcorp
Classification: Uncertain significance for Hypertrophic cardiomyopathy. Last evaluated: 2025-07-29. Review status: criteria provided, single submitter. Criteria: Invitae Variant Classification Sherloc (09022015). Collection method: clinical testing. Allele origin: germline.
Comment: This sequence change replaces serine, which is neutral and polar, with proline, which is neutral and non-polar, at codon 4 of the MYH7 protein (p.Ser4Pro). This variant is present in population databases (no rsID available, gnomAD 0.01%). This variant has not been reported in the literature in individuals affected with MYH7-related conditions. ClinVar contains an entry for this variant (Variation ID: 2563054). Invitae Evidence Modeling of protein sequence and biophysical properties (such as structural, functional, and spatial information, amino acid conservation, physicochemical variation, residue mobility, and thermodynamic stability) indicates that this missense variant is not expected to disrupt MYH7 protein function with a negative predictive value of 95%. In summary, the available evidence is currently insufficient to determine the role of this variant in disease. Therefore, it has been classified as a Variant of Uncertain Significance.

Ambry Genetics
Classification: Uncertain significance for Cardiovascular phenotype. Last evaluated: 2023-05-17. Review status: criteria provided, single submitter. Criteria: Ambry Variant Classification Scheme 2023. Collection method: clinical testing. Allele origin: germline.
Comment: The p.S4P variant (also known as c.10T>C), located in coding exon 1 of the MYH7 gene, results from a T to C substitution at nucleotide position 10. The serine at codon 4 is replaced by proline, an amino acid with similar properties. This amino acid position is poorly conserved in available vertebrate species. In addition, this alteration is predicted to be tolerated by in silico analysis. Since supporting evidence is limited at this time, the clinical significance of this alteration remains unclear.